The following is an entry in ClinVar:

NM_005450.6(NOG):c.272G>C (p.Gly91Ala)

Gene: NOG (noggin; plus strand). Cytogenetic location: 17q22.
Variant type: single nucleotide variant.
Coding change: c.272G>C on transcript NM_005450.6 (MANE Select); coding-DNA position 272, G replaced by C.
Protein change: p.Gly91Ala; replaces glycine 91 with alanine.
Molecular consequence: missense variant.
Genome position (GRCh38, 1-based): chr17:56,594,495, G>C. VCF-style: chr17-56594495-G-C. GRCh37 (hg19) VCF-style: chr17-54671856-G-C.
Other names: c.272G>C (NM_005450.4); short protein forms G91A.
Identifiers: ClinVar variation 3021440 (VCV003021440.4), dbSNP rs375026622, ClinGen allele CA8663173.

ClinVar aggregate classification (germline): Uncertain significance. Review status: criteria provided, multiple submitters, no conflicts (2 of 4 stars). 2 submissions from 2 submitters: Uncertain significance (2). Last evaluated 2025-03-06.

Conditions:
Inborn genetic diseases. Identifiers: MedGen C0950123, MeSH D030342.

gnomAD v4.1: 4 of 1,609,560 alleles (0.00025%); highest among the groups gnomAD compares: African/African-American, 0.0053%; no homozygotes.

Submissions (2):

Ambry Genetics
Classification: Uncertain significance for Inborn genetic diseases. Last evaluated: 2025-03-06. Review status: criteria provided, single submitter. Criteria: Ambry Variant Classification Scheme 2023. Collection method: clinical testing. Allele origin: germline.

Labcorp Genetics (formerly Invitae), Labcorp
Classification: Uncertain significance. Last evaluated: 2024-08-12. Review status: criteria provided, single submitter. Criteria: Invitae Variant Classification Sherloc (09022015). Collection method: clinical testing. Allele origin: germline.
Comment: This sequence change replaces glycine, which is neutral and non-polar, with alanine, which is neutral and non-polar, at codon 91 of the NOG protein (p.Gly91Ala). This variant is not present in population databases (gnomAD no frequency). This variant has not been reported in the literature in individuals affected with NOG-related conditions. An algorithm developed to predict the effect of missense changes on protein structure and function (PolyPhen-2) suggests that this variant is likely to be disruptive. In summary, the available evidence is currently insufficient to determine the role of this variant in disease. Therefore, it has been classified as a Variant of Uncertain Significance.